The following is an entry in ClinVar:

NM_001360016.2(G6PD):c.383T>G (p.Leu128Arg)

Gene: G6PD (glucose-6-phosphate dehydrogenase; minus strand). Cytogenetic location: Xq28.
Variant type: single nucleotide variant.
Coding change: c.383T>G on transcript NM_001360016.2 (MANE Select); coding-DNA position 383, T replaced by G.
Protein change: p.Leu128Arg; replaces leucine 128 with arginine.
Molecular consequence: missense variant.
Genome position (GRCh38, 1-based): chrX:154,535,270, A>C on the plus strand (T>G on the coding strand, the complement: G6PD is on the minus strand). VCF-style: chrX-154535270-A-C. GRCh37 (hg19) VCF-style: chrX-153763485-A-C.
Other names: G6PD Pyrgos; G6PD Salerno; c.473T>G, p.Leu158Arg (NM_000402.4); c.383T>G, p.Leu128Arg (NM_001042351.3); c.383T>G (NM_001042351.1); short protein forms L128R, L158R.
Identifiers: ClinVar variation 968939 (VCV000968939.47), dbSNP rs78365220, ClinGen allele CA415238638.

ClinVar aggregate classification (germline): Pathogenic/Likely pathogenic. Review status: criteria provided, multiple submitters, no conflicts (2 of 4 stars). 8 submissions from 8 submitters: Pathogenic (2); Likely pathogenic (5). 1 of the submissions does not count toward it. Last evaluated 2025-03-24.

Conditions:
Malaria, susceptibility to. Identifiers: Orphanet 673, MedGen C1970028, MONDO:0021024, OMIM 611162.
Anemia, nonspherocytic hemolytic, due to G6PD deficiency (CNSHA1). Also called: Class I glucose-6-phosphate dehydrogenase deficiency; Favism, susceptibility to; Hemolytic anemia due to G6PD deficiency; ANEMIA, CONGENITAL, NONSPHEROCYTIC HEMOLYTIC, 1. Identifiers: Orphanet 466026, MedGen C2720289, MONDO:0010480, OMIM 300908.

gnomAD v4.1: 15 of 1,211,799 alleles (0.0012%); highest among the groups gnomAD compares: Middle Eastern, 0.046%; no homozygotes.

Submissions (8):

Variantyx, Inc.
Classification: Likely pathogenic for Anemia, nonspherocytic hemolytic, due to G6PD deficiency. Last evaluated: 2025-03-24. Review status: criteria provided, single submitter. Criteria: Variantyx Assertion Criteria 2022. Collection method: clinical testing. Allele origin: maternal.
Comment: This is a nonsynonymous variant in the G6PD gene (OMIM: 305900). Pathogenic variants in this gene have been associated with X-linked hemolytic anemia due to G6PD deficiency (favism). The clinical symptoms reported for this individual are highly specific for X-linked hemolytic anemia due to G6PD deficiency (favism), which has a limited genetic etiology (PMID: 32702756) (PP4). Functional studies have shown that this variant alters G6PD protein function (PMID: 19632868) (PS3_Supporting). Alternate amino acid change(s) at this position (p.Leu128Pro) have been previously reported in similarly affected individuals, which suggests that this residue is biologically important (PMID: 12497642, 21302115) (PM5). Multiple computational algorithms predict a deleterious effect for this variant (REVEL score: 0.8) (PP3_Moderate). This variant has a 0.0013% maximum allele frequency in non-founder control populations. Based on the current evidence, this variant is classified as likely pathogenic for X-linked hemolytic anemia due to G6PD deficiency (favism).

Labcorp Genetics (formerly Invitae), Labcorp
Classification: Pathogenic for Anemia, nonspherocytic hemolytic, due to G6PD deficiency. Last evaluated: 2024-10-30. Review status: criteria provided, single submitter. Criteria: Invitae Variant Classification Sherloc (09022015). Collection method: clinical testing. Allele origin: germline.
Comment: This sequence change replaces leucine, which is neutral and non-polar, with arginine, which is basic and polar, at codon 128 of the G6PD protein (p.Leu128Arg). This variant is present in population databases (no rsID available, gnomAD no frequency). This missense change has been observed in individuals with glucose-6-phosphate dehydrogenase deficiency (PMID: 19422023, 19632868). ClinVar contains an entry for this variant (Variation ID: 968939). Invitae Evidence Modeling of protein sequence and biophysical properties (such as structural, functional, and spatial information, amino acid conservation, physicochemical variation, residue mobility, and thermodynamic stability) indicates that this missense variant is expected to disrupt G6PD protein function with a positive predictive value of 95%. This variant disrupts the p.Leu128 amino acid residue in G6PD. Other variant(s) that disrupt this residue have been determined to be pathogenic (PMID: 7825590, 11499668, 12215013, 27213370). This suggests that this residue is clinically significant, and that variants that disrupt this residue are likely to be disease-causing. For these reasons, this variant has been classified as Pathogenic.

Revvity Omics, Revvity
Classification: Likely pathogenic for Anemia, nonspherocytic hemolytic, due to G6PD deficiency. Last evaluated: 2024-07-15. Review status: criteria provided, single submitter. Criteria: ACMG Guidelines, 2015. Collection method: clinical testing. Allele origin: germline.

Fulgent Genetics
Classification: Likely pathogenic for Anemia, nonspherocytic hemolytic, due to G6PD deficiency; Malaria, susceptibility to. Last evaluated: 2024-03-16. Review status: criteria provided, single submitter. Criteria: ACMG Guidelines, 2015. Collection method: clinical testing. Allele origin: germline.

Baylor Genetics
Classification: Likely pathogenic for Malaria, susceptibility to. Last evaluated: 2023-08-07. Review status: criteria provided, single submitter. Criteria: ACMG Guidelines, 2015. Collection method: clinical testing. Allele origin: unknown.

CeGaT Center for Human Genetics Tuebingen
Classification: Likely pathogenic. Last evaluated: 2023-03-01. Review status: criteria provided, single submitter. Criteria: CeGaT Center For Human Genetics Tuebingen Variant Classification Criteria Version 2. Collection method: clinical testing. Allele origin: germline. Affected: yes. Observed: 2 variant alleles.
Comment: G6PD: PM2, PM5, PS4:Moderate, PS3:Supporting

Dunham Lab, University of Washington
Classification: Pathogenic for Anemia, nonspherocytic hemolytic, due to G6PD deficiency. Last evaluated: 2022-08-12. Review status: criteria provided, single submitter. Criteria: Bayesian ACMG Guidelines, 2018. Collection method: curation. Allele origin: maternal. Affected: yes.
Comment: Variant found in two unrelated hemizygotes with deficiency (PS4_M, PP4). Decreased activity in red blood cells (27-61%) (PS3). Both heterozygous mothers also have decreased G6PD activity (PP1). Affects same amino acid as pathogenic 128L>P (ClinVar ID 93499) (PM5). Modeling predicts that the variant disrupts function (PP3). Not found in gnomAD (PM2). Post_P 0.999 (odds of pathogenicity 13661, Prior_P 0.1).

Department of Pathology and Laboratory Medicine, Sinai Health System
Classification: Uncertain significance for Anemia, nonspherocytic hemolytic, due to G6PD deficiency. Last evaluated: 2022-07-26. Review status: flagged submission. Criteria: ACMG Guidelines, 2015. Collection method: research. Allele origin: germline. Not counted in ClinVar's aggregate classification.
ClinVar note: Reason: Outlier claim with insufficient supporting evidence

Literature cited by the submitters: PubMed 19422023 (cited by Labcorp Genetics (formerly Invitae), Labcorp and Dunham Lab, University of Washington); PubMed 19632868 (cited by Labcorp Genetics (formerly Invitae), Labcorp and Dunham Lab, University of Washington); PubMed 7825590 (cited by Labcorp Genetics (formerly Invitae), Labcorp); PubMed 11499668 (cited by Labcorp Genetics (formerly Invitae), Labcorp); PubMed 12215013 (cited by Labcorp Genetics (formerly Invitae), Labcorp); PubMed 27213370 (cited by Labcorp Genetics (formerly Invitae), Labcorp).